The following is an entry in ClinVar:

ClinVar aggregate classification (germline): Benign/Likely benign. Review status: criteria provided, multiple submitters, no conflicts (2 of 4 stars). 4 submissions from 4 submitters: Benign (1); Likely benign (2). 1 of the submissions does not count toward it. Last evaluated 2026-09-01.

Conditions:
TIMM22-related disorder. Also called: TIMM22-related condition.

Allele frequency attached by ClinVar (database versions not stated): 1000 Genomes Project 0.00280; 1000 Genomes Project 30x 0.00281; gnomAD 0.00331; gnomAD exomes 0.00434; ExAC 0.00437; TOPMed 0.00509; ESP Exome Variant Server 0.00601.
gnomAD v4.1: 11,057 of 1,612,094 alleles (0.69%); highest among the groups gnomAD compares: Non-Finnish European, 0.84%; 54 homozygotes.

Submissions (4):

CeGaT Center for Human Genetics Tuebingen
Classification: Likely benign. Last evaluated: 2026-09-01. Review status: criteria provided, single submitter. Criteria: CeGaT Center For Human Genetics Tuebingen Variant Classification Criteria Version 2. Collection method: clinical testing. Allele origin: germline. Affected: yes. Observed: 19 variant alleles.
Comment: TIMM22: BP4, BP7, BS2

Labcorp Genetics (formerly Invitae), Labcorp
Classification: Benign. Last evaluated: 2018-01-04. Review status: criteria provided, single submitter. Criteria: Invitae Variant Classification Sherloc (09022015). Collection method: clinical testing. Allele origin: germline.

Breakthrough Genomics
Classification: Likely benign. Review status: criteria provided, single submitter. Criteria: ACMG Guidelines, 2015. Collection method: not provided. Allele origin: germline. Inheritance: Autosomal recessive inheritance. Affected: yes.

PreventionGenetics, part of Exact Sciences
Classification: Likely benign for TIMM22-related condition. Last evaluated: 2024-07-09. Review status: no assertion criteria provided. Collection method: clinical testing. Allele origin: germline. Not counted in ClinVar's aggregate classification.
Comment: This variant is classified as likely benign based on ACMG/AMP sequence variant interpretation guidelines (Richards et al. 2015 PMID: 25741868, with internal and published modifications).

NM_013337.4(TIMM22):c.45A>G (p.Thr15=)

Gene: TIMM22 (translocase of inner mitochondrial membrane 22; plus strand). Cytogenetic location: 17p13.3.
Variant type: single nucleotide variant.
Coding change: c.45A>G on transcript NM_013337.4 (MANE Select); coding-DNA position 45, A replaced by G.
Protein change: p.Thr15=; no amino-acid change (threonine 15 retained).
Molecular consequence: synonymous variant.
Genome position (GRCh38, 1-based): chr17:997,187, A>G. VCF-style: chr17-997187-A-G. GRCh37 (hg19) VCF-style: chr17-900427-A-G.
Identifiers: ClinVar variation 708129 (VCV000708129.35), dbSNP rs143321619, ClinGen allele CA8264376.